The following is an entry in ClinVar:

NM_001122764.3(PPOX):c.26G>A (p.Gly9Asp)

Gene: PPOX (protoporphyrinogen oxidase; plus strand). Cytogenetic location: 1q23.3.
Variant type: single nucleotide variant.
Coding change: c.26G>A on transcript NM_001122764.3 (MANE Select); coding-DNA position 26, G replaced by A.
Protein change: p.Gly9Asp; replaces glycine 9 with aspartic acid.
Molecular consequence: missense variant. On other transcripts: 5 prime UTR variant (5).
Genome position (GRCh38, 1-based): chr1:161,166,873, G>A. VCF-style: chr1-161166873-G-A. GRCh37 (hg19) VCF-style: chr1-161136663-G-A.
Other names: c.26G>A, p.Gly9Asp (NM_000309.5, NM_001350128.2, NM_001365398.1 and 1 more transcripts); c.-402G>A (NM_001350129.2); c.-493G>A (NM_001350130.2); c.-379G>A (NM_001350131.2); c.-286G>A (NM_001365400.1); c.-345G>A (NM_001365401.1); short protein forms G9D.
Identifiers: ClinVar variation 3662176 (VCV003662176.2).

ClinVar aggregate classification (germline): Uncertain significance (1 of 4 stars; one submission).

Submission:

Labcorp Genetics (formerly Invitae), Labcorp
Classification: Uncertain significance. Last evaluated: 2024-08-12. Review status: criteria provided, single submitter. Criteria: Invitae Variant Classification Sherloc (09022015). Collection method: clinical testing. Allele origin: germline.
Comment: This sequence change replaces glycine, which is neutral and non-polar, with aspartic acid, which is acidic and polar, at codon 9 of the PPOX protein (p.Gly9Asp). This variant is not present in population databases (gnomAD no frequency). This variant has not been reported in the literature in individuals affected with PPOX-related conditions. Advanced modeling of protein sequence and biophysical properties (such as structural, functional, and spatial information, amino acid conservation, physicochemical variation, residue mobility, and thermodynamic stability) performed at Invitae indicates that this missense variant is expected to disrupt PPOX protein function with a positive predictive value of 80%. In summary, the available evidence is currently insufficient to determine the role of this variant in disease. Therefore, it has been classified as a Variant of Uncertain Significance.